The following is an entry in ClinVar:

ClinVar aggregate classification (germline): Likely benign (1 of 4 stars; one submission).

Conditions:
Hidrotic ectodermal dysplasia syndrome (GJB6). Also called: Hidrotic ectodermal dysplasia; Ectodermal dysplasia 2, hidrotic; Autosomal dominant hidrotic ectodermal dysplasia; Clouston syndrome; Clouston's hidrotic ectodermal dysplasia; CLOUSTON HIDROTIC ECTODERMAL DYSPLASIA. Identifiers: Orphanet 189, MedGen C0162361, MONDO:0007510, OMIM 129500.

Allele frequency attached by ClinVar (database versions not stated): gnomAD 0.00062 and 0.00063; 1000 Genomes Project 0.00040; 1000 Genomes Project 30x 0.00047; TOPMed 0.00066.

Submission:

Illumina Laboratory Services, Illumina
Classification: Likely benign for Hidrotic ectodermal dysplasia syndrome. Last evaluated: 2018-01-12. Review status: criteria provided, single submitter. Criteria: ICSL Variant Classification Criteria 13 December 2019. Collection method: clinical testing. Allele origin: germline.
Comment: This variant was observed in the ICSL laboratory as part of a predisposition screen in an ostensibly healthy population. It had not been previously curated by ICSL or reported in the Human Gene Mutation Database (HGMD: prior to June 1st, 2018), and was therefore a candidate for classification through an automated scoring system. Utilizing variant allele frequency, disease prevalence and penetrance estimates, and inheritance mode, an automated score was calculated to assess if this variant is too frequent to cause the disease. Based on the score and internal cut-off values, a variant classified as likely benign is not then subjected to further curation. The score for this variant resulted in a classification of likely benign for this disease.

NM_001110219.3(GJB6):c.-295-129G>A

Gene: GJB6 (gap junction protein beta 6; minus strand). Cytogenetic location: 13q12.11.
Variant type: single nucleotide variant.
Coding change: c.-295-129G>A on transcript NM_001110219.3 (MANE Select); 129 bases into the intron before 295 bases upstream of the start codon, G replaced by A.
Molecular consequence: intron variant. On other transcripts: 5 prime UTR variant (1).
Genome position (GRCh38, 1-based): chr13:20,230,936, C>T on the plus strand (G>A on the coding strand, the complement: GJB6 is on the minus strand). VCF-style: chr13-20230936-C-T. GRCh37 (hg19) VCF-style: chr13-20805075-C-T.
Other names: c.-256G>A (NM_006783.5); c.-185-1187G>A (NM_001110221.3); c.-186+446G>A (NM_001370091.1, NM_001110220.3); c.-301-123G>A (NM_001370090.1); c.-295-129G>A (NM_001370092.1).
Identifiers: ClinVar variation 311393 (VCV000311393.5), dbSNP rs539881427, ClinGen allele CA10633970.